The following is an entry in ClinVar:

ClinVar aggregate classification (germline): Likely benign. Review status: criteria provided, multiple submitters, no conflicts (2 of 4 stars). 3 submissions from 3 submitters: Likely benign (3). Last evaluated 2025-07-28.

Allele frequency attached by ClinVar (database versions not stated): gnomAD 0.00001.
gnomAD v4.1: 1 of 1,613,986 alleles (0.000062%); highest among the groups gnomAD compares: Non-Finnish European, 0.000085%; no homozygotes.

Submissions (3):

Labcorp Genetics (formerly Invitae), Labcorp
Classification: Likely benign. Last evaluated: 2025-07-28. Review status: criteria provided, single submitter. Criteria: Invitae Variant Classification Sherloc (09022015). Collection method: clinical testing. Allele origin: germline.

CeGaT Center for Human Genetics Tuebingen
Classification: Likely benign. Last evaluated: 2023-05-01. Review status: criteria provided, single submitter. Criteria: CeGaT Center For Human Genetics Tuebingen Variant Classification Criteria Version 2. Collection method: clinical testing. Allele origin: germline. Affected: yes. Observed: 1 variant allele.
Comment: LRP2: BP4, BP7

Blueprint Genetics
Classification: Likely benign. Last evaluated: 2020-12-17. Review status: criteria provided, single submitter. Criteria: ACMG Guidelines, 2015. Collection method: clinical testing. Allele origin: germline.

NM_004525.3(LRP2):c.8805T>C (p.Ser2935=)

Gene: LRP2 (LDL receptor related protein 2; minus strand). Cytogenetic location: 2q31.1.
Variant type: single nucleotide variant.
Coding change: c.8805T>C on transcript NM_004525.3 (MANE Select); coding-DNA position 8805, T replaced by C.
Protein change: p.Ser2935=; no amino-acid change (serine 2935 retained).
Molecular consequence: synonymous variant.
Genome position (GRCh38, 1-based): chr2:169,193,786, A>G on the plus strand (T>C on the coding strand, the complement: LRP2 is on the minus strand). VCF-style: chr2-169193786-A-G. GRCh37 (hg19) VCF-style: chr2-170050296-A-G.
Identifiers: ClinVar variation 2651523 (VCV002651523.28), dbSNP rs1574117872, ClinGen allele CA429932947.